The following is an entry in ClinVar:

ClinVar aggregate classification (germline): Benign/Likely benign. Review status: criteria provided, multiple submitters, no conflicts (2 of 4 stars). 2 submissions from 2 submitters: Benign (1); Likely benign (1). Last evaluated 2026-01-19.

Conditions:
Tuberous sclerosis 1 (TSC1). Identifiers: Orphanet 805, MedGen C1854465, MONDO:0008612, OMIM 191100.

Submissions (2):

Labcorp Genetics (formerly Invitae), Labcorp
Classification: Likely benign for Tuberous sclerosis 1. Last evaluated: 2026-01-19. Review status: criteria provided, single submitter. Criteria: Invitae Variant Classification Sherloc (09022015). Collection method: clinical testing. Allele origin: germline.

Myriad Genetics, Inc.
Classification: Benign for Tuberous sclerosis 1. Last evaluated: 2025-04-09. Review status: criteria provided, single submitter. Criteria: Myriad Autosomal Dominant, Autosomal Recessive and X-Linked Classification Criteria (2023). Collection method: clinical testing. Allele origin: unknown.
Comment: This variant is considered benign. This variant has been observed at a population frequency that is significantly greater than expected given the associated disease prevalence and penetrance.

NM_000368.5(TSC1):c.965_966inv (p.Met322Thr)

Gene: TSC1 (TSC complex subunit 1; minus strand). Cytogenetic location: 9q34.13.
Variant type: Inversion.
Coding change: c.965_966inv on transcript NM_000368.5 (MANE Select).
Protein change: p.Met322Thr; replaces methionine 322 with threonine.
Molecular consequence: missense variant.
Genome position: GRCh38 VCF-style: chr9-132911516-CA-TG. GRCh37 (hg19) VCF-style: chr9-135786903-CA-TG.
Other names: c.965_966inv, p.Met322Thr (NM_001162426.2); c.812_813inv, p.Met271Thr (NM_001162427.2); c.602_603inv, p.Met201Thr (NM_001362177.2); short protein forms M201T, M271T, M322T.
Identifiers: ClinVar variation 1079956 (VCV001079956.9), ClinGen allele CA2499219723.